The following is an entry in ClinVar:

NM_033118.4(MYLK2):c.50C>A (p.Thr17Lys)

Gene: MYLK2 (myosin light chain kinase 2; plus strand). Cytogenetic location: 20q11.21.
Variant type: single nucleotide variant.
Coding change: c.50C>A on transcript NM_033118.4 (MANE Select); coding-DNA position 50, C replaced by A.
Protein change: p.Thr17Lys; replaces threonine 17 with lysine.
Molecular consequence: missense variant.
Genome position (GRCh38, 1-based): chr20:31,819,630, C>A. VCF-style: chr20-31819630-C-A. GRCh37 (hg19) VCF-style: chr20-30407433-C-A.
Other names: short protein forms T17K.
Identifiers: ClinVar variation 338040 (VCV000338040.11), dbSNP rs192056427, ClinGen allele CA9802819.

ClinVar aggregate classification (germline): Conflicting classifications of pathogenicity. Review status: criteria provided, conflicting classifications (1 of 4 stars). 4 submissions from 4 submitters: Uncertain significance (2); Likely benign (2). Last evaluated 2025-07-28.

Conditions:
Hypertrophic cardiomyopathy 1 (CMH1). Also called: Familial hypertrophic cardiomyopathy 1; MYH7-Related Familial Hypertrophic Cardiomyopathy. Identifiers: MedGen C3495498, MONDO:0008647, OMIM 192600.

Allele frequency attached by ClinVar (database versions not stated): gnomAD 0.00013 and 0.00005; 1000 Genomes Project 0.00080; TOPMed 0.00004; 1000 Genomes Project 30x 0.00078.
gnomAD v4.1: 208 of 1,551,582 alleles (0.013%); highest among the groups gnomAD compares: East Asian, 0.5%; no homozygotes.

Submissions (4):

Women's Health and Genetics/Laboratory Corporation of America, LabCorp
Classification: Likely benign. Last evaluated: 2025-07-28. Review status: criteria provided, single submitter. Criteria: LabCorp Variant Classification Summary - May 2015. Collection method: clinical testing. Allele origin: germline.

Ambry Genetics
Classification: Uncertain significance. Last evaluated: 2025-05-14. Review status: criteria provided, single submitter. Criteria: Ambry Variant Classification Scheme 2023. Collection method: clinical testing. Allele origin: germline.
Comment: The p.T17K variant (also known as c.50C>A), located in coding exon 1 of the MYLK2 gene, results from a C to A substitution at nucleotide position 50. The threonine at codon 17 is replaced by lysine, an amino acid with similar properties. This amino acid position is conserved. In addition, this alteration is predicted to be tolerated by in silico analysis. Since supporting evidence is limited at this time, the clinical significance of this alteration remains unclear.

Labcorp Genetics (formerly Invitae), Labcorp
Classification: Uncertain significance for Hypertrophic cardiomyopathy 1. Last evaluated: 2023-09-21. Review status: criteria provided, single submitter. Criteria: Invitae Variant Classification Sherloc (09022015). Collection method: clinical testing. Allele origin: germline.
Comment: In summary, the available evidence is currently insufficient to determine the role of this variant in disease. Therefore, it has been classified as a Variant of Uncertain Significance. An algorithm developed to predict the effect of missense changes on protein structure and function (PolyPhen-2) suggests that this variant is likely to be disruptive. ClinVar contains an entry for this variant (Variation ID: 338040). This variant has not been reported in the literature in individuals affected with MYLK2-related conditions. This variant is present in population databases (rs192056427, gnomAD 0.2%), and has an allele count higher than expected for a pathogenic variant. This sequence change replaces threonine, which is neutral and polar, with lysine, which is basic and polar, at codon 17 of the MYLK2 protein (p.Thr17Lys).

GeneDx
Classification: Likely benign. Last evaluated: 2017-12-29. Review status: criteria provided, single submitter. Criteria: GeneDx Variant Classification (06012015). Collection method: clinical testing. Allele origin: germline. Affected: yes.
Comment: This variant is considered likely benign or benign based on one or more of the following criteria: it is a conservative change, it occurs at a poorly conserved position in the protein, it is predicted to be benign by multiple in silico algorithms, and/or has population frequency not consistent with disease.